The following is an entry in ClinVar:

NM_173660.5(DOK7):c.1457C>T (p.Pro486Leu)

Gene: DOK7 (docking protein 7; plus strand). Cytogenetic location: 4p16.3.
Variant type: single nucleotide variant.
Coding change: c.1457C>T on transcript NM_173660.5 (MANE Select); coding-DNA position 1457, C replaced by T.
Protein change: p.Pro486Leu; replaces proline 486 with leucine.
Molecular consequence: missense variant. On other transcripts: 3 prime UTR variant (1).
Genome position (GRCh38, 1-based): chr4:3,493,443, C>T. VCF-style: chr4-3493443-C-T. GRCh37 (hg19) VCF-style: chr4-3495170-C-T.
Other names: c.*678C>T (NM_001164673.2); c.527C>T, p.Pro176Leu (NM_001256896.2); c.1457C>T, p.Pro486Leu (NM_001301071.2); c.1025C>T, p.Pro342Leu (NM_001363811.2); short protein forms P486L, P176L, P342L.
Identifiers: ClinVar variation 851488 (VCV000851488.9), dbSNP rs200015934, ClinGen allele CA2829530.

ClinVar aggregate classification (germline): Uncertain significance. Review status: criteria provided, multiple submitters, no conflicts (2 of 4 stars). 2 submissions from 2 submitters: Uncertain significance (2). Last evaluated 2025-06-03.

Conditions:
Inborn genetic diseases. Identifiers: MedGen C0950123, MeSH D030342.
Fetal akinesia deformation sequence 1 (FADS1). Also called: Pena-Shokeir syndrome type I; Fetal akinesia sequence. Identifiers: Orphanet 994, MedGen C1276035, MONDO:0100101, OMIM 208150, HP:0001989.
Congenital myasthenic syndrome 10. Also called: Myasthenia, limb-girdle, familial. Identifiers: Orphanet 590, MedGen C1850792, MONDO:0009690, OMIM 254300.

Allele frequency attached by ClinVar (database versions not stated): gnomAD exomes 0.00006 and 0.00012; TOPMed 0.00006; gnomAD 0.00007 and 0.00008; ExAC 0.00012; 1000 Genomes Project 30x 0.00016; 1000 Genomes Project 0.00020.
gnomAD v4.1: 95 of 1,607,752 alleles (0.0059%); highest among the groups gnomAD compares: Admixed American, 0.013%; no homozygotes.

Submissions (2):

Ambry Genetics
Classification: Uncertain significance for Inborn genetic diseases. Last evaluated: 2025-06-03. Review status: criteria provided, single submitter. Criteria: Ambry Variant Classification Scheme 2023. Collection method: clinical testing. Allele origin: germline.

Labcorp Genetics (formerly Invitae), Labcorp
Classification: Uncertain significance for Congenital myasthenic syndrome 10; Fetal akinesia deformation sequence 1. Last evaluated: 2022-08-15. Review status: criteria provided, single submitter. Criteria: Invitae Variant Classification Sherloc (09022015). Collection method: clinical testing. Allele origin: germline.
Comment: This sequence change replaces proline, which is neutral and non-polar, with leucine, which is neutral and non-polar, at codon 486 of the DOK7 protein (p.Pro486Leu). This variant is present in population databases (rs200015934, gnomAD 0.07%). This variant has not been reported in the literature in individuals affected with DOK7-related conditions. ClinVar contains an entry for this variant (Variation ID: 851488). Algorithms developed to predict the effect of missense changes on protein structure and function output the following: SIFT: "Tolerated"; PolyPhen-2: "Benign"; Align-GVGD: "Class C0". The leucine amino acid residue is found in multiple mammalian species, which suggests that this missense change does not adversely affect protein function. In summary, the available evidence is currently insufficient to determine the role of this variant in disease. Therefore, it has been classified as a Variant of Uncertain Significance.